The following is an entry in ClinVar:

NM_025219.3(DNAJC5):c.264G>C (p.Glu88Asp)

Gene: DNAJC5 (DnaJ heat shock protein family (Hsp40) member C5; plus strand). Cytogenetic location: 20q13.33.
Variant type: single nucleotide variant.
Coding change: c.264G>C on transcript NM_025219.3 (MANE Select); coding-DNA position 264, G replaced by C.
Protein change: p.Glu88Asp; replaces glutamic acid 88 with aspartic acid.
Molecular consequence: missense variant.
Genome position (GRCh38, 1-based): chr20:63,929,468, G>C. VCF-style: chr20-63929468-G-C. GRCh37 (hg19) VCF-style: chr20-62560821-G-C.
Other names: short protein forms E88D.
Identifiers: ClinVar variation 3726778 (VCV003726778.2).

ClinVar aggregate classification (germline): Uncertain significance (1 of 4 stars; one submission).

Conditions:
Neuronal ceroid lipofuscinosis. Also called: Neuronal Ceroid Lipofuscinoses. Identifiers: Orphanet 216, Orphanet 79263, MedGen C0027877, MONDO:0016295. Disease mechanism: loss of function.

Submission:

Labcorp Genetics (formerly Invitae), Labcorp
Classification: Uncertain significance for Neuronal ceroid lipofuscinosis. Last evaluated: 2024-12-07. Review status: criteria provided, single submitter. Criteria: Invitae Variant Classification Sherloc (09022015). Collection method: clinical testing. Allele origin: germline.
Comment: This sequence change replaces glutamic acid, which is acidic and polar, with aspartic acid, which is acidic and polar, at codon 88 of the DNAJC5 protein (p.Glu88Asp). This variant is not present in population databases (gnomAD no frequency). This variant has not been reported in the literature in individuals affected with DNAJC5-related conditions. An algorithm developed to predict the effect of missense changes on protein structure and function (PolyPhen-2) suggests that this variant is likely to be disruptive. In summary, the available evidence is currently insufficient to determine the role of this variant in disease. Therefore, it has been classified as a Variant of Uncertain Significance.